The following is an entry in ClinVar:

ClinVar aggregate classification (germline): Uncertain significance (1 of 4 stars; one submission).

Submission:

CeGaT Center for Human Genetics Tuebingen
Classification: Uncertain significance. Last evaluated: 2024-08-01. Review status: criteria provided, single submitter. Criteria: CeGaT Center For Human Genetics Tuebingen Variant Classification Criteria Version 2. Collection method: clinical testing. Allele origin: germline. Affected: yes. Observed: 1 variant allele.
Comment: SLC7A9: PM2

NM_014270.5(SLC7A9):c.288G>T (p.Glu96Asp)

Gene: SLC7A9 (solute carrier family 7 member 9; minus strand). Cytogenetic location: 19q13.11.
Variant type: single nucleotide variant.
Coding change: c.288G>T on transcript NM_014270.5 (MANE Select); coding-DNA position 288, G replaced by T.
Protein change: p.Glu96Asp; replaces glutamic acid 96 with aspartic acid.
Molecular consequence: missense variant.
Genome position (GRCh38, 1-based): chr19:32,864,286, C>A on the plus strand (G>T on the coding strand, the complement: SLC7A9 is on the minus strand). VCF-style: chr19-32864286-C-A. GRCh37 (hg19) VCF-style: chr19-33355192-C-A.
Other names: c.288G>T, p.Glu96Asp (NM_001126335.2, NM_001243036.2); short protein forms E96D.
Identifiers: ClinVar variation 3342045 (VCV003342045.16).